The following is an entry in ClinVar:

ClinVar aggregate classification (germline): Conflicting classifications of pathogenicity. Review status: criteria provided, conflicting classifications (1 of 4 stars). 2 submissions from 2 submitters: Uncertain significance (1); Benign (1). Last evaluated 2025-06-12.

Conditions:
PIEZO1-related disorder. Also called: PIEZO1-related condition; PIEZO1-Related Disorders.

Allele frequency attached by ClinVar (database versions not stated): TOPMed 0.00004; gnomAD 0.00005.
gnomAD v4.1: 24 of 1,547,014 alleles (0.0016%); highest among the groups gnomAD compares: African/African-American, 0.0096%; no homozygotes.

Submissions (2):

PreventionGenetics, part of Exact Sciences
Classification: Uncertain significance for PIEZO1-related condition. Last evaluated: 2025-06-12. Review status: criteria provided, single submitter. Criteria: ACMG Guidelines, 2015. Collection method: clinical testing. Allele origin: germline.
Comment: The PIEZO1 c.5774G>A variant is predicted to result in the amino acid substitution p.Arg1925Gln. To our knowledge, this variant has not been reported in the literature. This variant is reported in 0.013% of alleles in individuals of African descent in gnomAD. At this time, the clinical significance of this variant is uncertain due to the absence of conclusive functional and genetic evidence.

Labcorp Genetics (formerly Invitae), Labcorp
Classification: Benign. Last evaluated: 2023-11-28. Review status: criteria provided, single submitter. Criteria: Invitae Variant Classification Sherloc (09022015). Collection method: clinical testing. Allele origin: germline.

NM_001142864.4(PIEZO1):c.5774G>A (p.Arg1925Gln)

Gene: PIEZO1 (piezo type mechanosensitive ion channel component 1 (Er blood group); minus strand). Cytogenetic location: 16q24.3.
Variant type: single nucleotide variant.
Coding change: c.5774G>A on transcript NM_001142864.4 (MANE Select); coding-DNA position 5774, G replaced by A.
Protein change: p.Arg1925Gln; replaces arginine 1925 with glutamine.
Molecular consequence: missense variant.
Genome position (GRCh38, 1-based): chr16:88,720,643, C>T on the plus strand (G>A on the coding strand, the complement: PIEZO1 is on the minus strand). VCF-style: chr16-88720643-C-T. GRCh37 (hg19) VCF-style: chr16-88787051-C-T.
Other names: c.5774G>A (NM_001142864.3); c.4316G>A, p.Arg1439Gln (NM_014745.1); short protein forms R1439Q, R1925Q.
Identifiers: ClinVar variation 2718493 (VCV002718493.4), dbSNP rs977637475, ClinGen allele CA286409425.